The following is an entry in ClinVar:

NM_005120.3(MED12):c.1013C>T (p.Thr338Ile)

Gene: MED12 (mediator complex subunit 12; plus strand). Cytogenetic location: Xq13.1.
Variant type: single nucleotide variant.
Coding change: c.1013C>T on transcript NM_005120.3 (MANE Select); coding-DNA position 1013, C replaced by T.
Protein change: p.Thr338Ile; replaces threonine 338 with isoleucine.
Molecular consequence: missense variant.
Genome position (GRCh38, 1-based): chrX:71,121,728, C>T. VCF-style: chrX-71121728-C-T. GRCh37 (hg19) VCF-style: chrX-70341578-C-T.
Other names: short protein forms T338I.
Identifiers: ClinVar variation 2862945 (VCV002862945.3), dbSNP rs2092289912, ClinGen allele CA413504981.

ClinVar aggregate classification (germline): Uncertain significance (1 of 4 stars; one submission).

Conditions:
FG syndrome (FGS). Identifiers: MedGen C0220769, MONDO:0002010.

Submission:

Labcorp Genetics (formerly Invitae), Labcorp
Classification: Uncertain significance for FG syndrome. Last evaluated: 2023-05-09. Review status: criteria provided, single submitter. Criteria: Invitae Variant Classification Sherloc (09022015). Collection method: clinical testing. Allele origin: germline.
Comment: Advanced modeling of protein sequence and biophysical properties (such as structural, functional, and spatial information, amino acid conservation, physicochemical variation, residue mobility, and thermodynamic stability) performed at Invitae indicates that this missense variant is not expected to disrupt MED12 protein function. In summary, the available evidence is currently insufficient to determine the role of this variant in disease. Therefore, it has been classified as a Variant of Uncertain Significance. This sequence change replaces threonine, which is neutral and polar, with isoleucine, which is neutral and non-polar, at codon 338 of the MED12 protein (p.Thr338Ile). This variant is not present in population databases (gnomAD no frequency). This variant has not been reported in the literature in individuals affected with MED12-related conditions.